The following is an entry in ClinVar:

NM_000368.5(TSC1):c.2980G>C (p.Asp994His)

Gene: TSC1 (TSC complex subunit 1; minus strand). Cytogenetic location: 9q34.13.
Variant type: single nucleotide variant.
Coding change: c.2980G>C on transcript NM_000368.5 (MANE Select); coding-DNA position 2980, G replaced by C.
Protein change: p.Asp994His; replaces aspartic acid 994 with histidine.
Molecular consequence: missense variant.
Genome position (GRCh38, 1-based): chr9:132,896,750, C>G on the plus strand (G>C on the coding strand, the complement: TSC1 is on the minus strand). VCF-style: chr9-132896750-C-G. GRCh37 (hg19) VCF-style: chr9-135772137-C-G.
Other names: c.2977G>C, p.Asp993His (NM_001162426.2); c.2827G>C, p.Asp943His (NM_001162427.2); c.2617G>C, p.Asp873His (NM_001362177.2); c.2980G>C (NM_000368.4); short protein forms D873H, D943H, D993H, D994H.
Identifiers: ClinVar variation 1011261 (VCV001011261.10), dbSNP rs78868727, ClinGen allele CA375368080.
Genomic context (GRCh38, chr9:132,896,750, plus strand): 5'-GGCCAGATGCCTCTTCATTGTGCCCTACCATGGAATCTGAGCACCCGTCATTACAACAGT[C>G]AAGCCTGTAAGAAAGCCGGGGAGGAAAAAAGGAGCTGGTGATTGGACTGTCCACATTCGG-3'
Protein context (NP_000359.1, residues 984-1004): EAAEAAEERL[Asp994His]CCNDGCSDSM

ClinVar aggregate classification (germline): Uncertain significance. Review status: criteria provided, multiple submitters, no conflicts (2 of 4 stars). 2 submissions from 2 submitters: Uncertain significance (2). Last evaluated 2025-08-04.

Conditions:
Tuberous sclerosis 1 (TSC1). Identifiers: Orphanet 805, MedGen C1854465, MONDO:0008612, OMIM 191100.
Hereditary cancer-predisposing syndrome. Also called: Tumor predisposition; Hereditary Cancer Syndrome; Neoplastic Syndromes, Hereditary; Hereditary neoplastic syndrome. Identifiers: Orphanet 140162, MedGen C0027672, MeSH D009386, MONDO:0015356.

Submissions (2):

Ambry Genetics
Classification: Uncertain significance for Hereditary cancer-predisposing syndrome. Last evaluated: 2025-08-04. Review status: criteria provided, single submitter. Criteria: Ambry Variant Classification Scheme 2023. Collection method: clinical testing. Allele origin: germline.
Comment: The p.D994H variant (also known as c.2980G>C), located in coding exon 21 of the TSC1 gene, results from a G to C substitution at nucleotide position 2980. The aspartic acid at codon 994 is replaced by histidine, an amino acid with similar properties. This amino acid position is well conserved in available vertebrate species. In addition, the in silico prediction for this alteration is inconclusive. Based on the available evidence, the clinical significance of this variant remains unclear.

Labcorp Genetics (formerly Invitae), Labcorp
Classification: Uncertain significance for Tuberous sclerosis 1. Last evaluated: 2025-05-07. Review status: criteria provided, single submitter. Criteria: Invitae Variant Classification Sherloc (09022015). Collection method: clinical testing. Allele origin: germline.
Comment: This sequence change replaces aspartic acid, which is acidic and polar, with histidine, which is basic and polar, at codon 994 of the TSC1 protein (p.Asp994His). This variant is not present in population databases (gnomAD no frequency). This variant has not been reported in the literature in individuals affected with TSC1-related conditions. ClinVar contains an entry for this variant (Variation ID: 1011261). Invitae Evidence Modeling of protein sequence and biophysical properties (such as structural, functional, and spatial information, amino acid conservation, physicochemical variation, residue mobility, and thermodynamic stability) indicates that this missense variant is not expected to disrupt TSC1 protein function with a negative predictive value of 95%. In summary, the available evidence is currently insufficient to determine the role of this variant in disease. Therefore, it has been classified as a Variant of Uncertain Significance.